The following is an entry in ClinVar:

NM_021831.6(AGBL5):c.1793G>A (p.Arg598His)

Gene: AGBL5 (AGBL carboxypeptidase 5; plus strand). Cytogenetic location: 2p23.3.
Variant type: single nucleotide variant.
Coding change: c.1793G>A on transcript NM_021831.6 (MANE Select); coding-DNA position 1793, G replaced by A.
Protein change: p.Arg598His; replaces arginine 598 with histidine.
Molecular consequence: missense variant. On other transcripts: non-coding transcript variant (2).
Genome position (GRCh38, 1-based): chr2:27,058,521, G>A. VCF-style: chr2-27058521-G-A. GRCh37 (hg19) VCF-style: chr2-27281389-G-A.
Other names: c.1793G>A, p.Arg598His (NM_001035507.3); short protein forms R598H.
Identifiers: ClinVar variation 1054246 (VCV001054246.7), dbSNP rs201894006, ClinGen allele CA1567969.

ClinVar aggregate classification (germline): Uncertain significance. Review status: criteria provided, multiple submitters, no conflicts (2 of 4 stars). 3 submissions from 3 submitters: Uncertain significance (2). 1 of the submissions does not count toward it. Last evaluated 2024-11-11.

Conditions:
Retinal dystrophy. Also called: Inherited retinal dystrophy. Identifiers: Orphanet 71862, MedGen C0854723, MeSH D058499, MONDO:0019118, HP:0000556.

Allele frequency attached by ClinVar (database versions not stated): TOPMed 0.00015; gnomAD exomes 0.00023 and 0.00025; gnomAD 0.00026 and 0.00027; ExAC 0.00031.
gnomAD v4.1: 366 of 1,614,064 alleles (0.023%); highest among the groups gnomAD compares: Non-Finnish European, 0.024%; no homozygotes.

Submissions (3):

Blueprint Genetics
Classification: Uncertain significance. Last evaluated: 2024-11-11. Review status: criteria provided, single submitter. Criteria: ACMG Guidelines, 2015. Collection method: clinical testing. Allele origin: germline.

Labcorp Genetics (formerly Invitae), Labcorp
Classification: Uncertain significance. Last evaluated: 2023-12-11. Review status: criteria provided, single submitter. Criteria: Invitae Variant Classification Sherloc (09022015). Collection method: clinical testing. Allele origin: germline.
Comment: This sequence change replaces arginine, which is basic and polar, with histidine, which is basic and polar, at codon 598 of the AGBL5 protein (p.Arg598His). This variant is present in population databases (rs201894006, gnomAD 0.06%). This variant has not been reported in the literature in individuals affected with AGBL5-related conditions. ClinVar contains an entry for this variant (Variation ID: 1054246). An algorithm developed to predict the effect of missense changes on protein structure and function (PolyPhen-2) suggests that this variant is likely to be disruptive. In summary, the available evidence is currently insufficient to determine the role of this variant in disease. Therefore, it has been classified as a Variant of Uncertain Significance.

Institute of Human Genetics, Univ. Regensburg, Univ. Regensburg
Classification: Uncertain significance for Retinal dystrophy. Last evaluated: 2022-01-01. Review status: no assertion criteria provided. Criteria: ACMG Guidelines, 2015. Collection method: clinical testing. Allele origin: germline. Affected: yes. Not counted in ClinVar's aggregate classification.